The following is an entry in ClinVar:

NM_007200.5(AKAP13):c.4162-19269A>G

Gene: AKAP13 (A-kinase anchoring protein 13; plus strand). Cytogenetic location: 15q25.3.
Variant type: single nucleotide variant.
Coding change: c.4162-19269A>G on transcript NM_007200.5 (MANE Select); 19269 bases into the intron before coding-DNA position 4162, A replaced by G.
Molecular consequence: intron variant. On other transcripts: missense variant (1).
Genome position (GRCh38, 1-based): chr15:85,620,105, A>G. VCF-style: chr15-85620105-A-G. GRCh37 (hg19) VCF-style: chr15-86163336-A-G.
Other names: c.14A>G, p.His5Arg (NM_001270546.1); c.4162-19269A>G (NM_006738.6); short protein forms H5R.
Identifiers: ClinVar variation 2645658 (VCV002645658.24), dbSNP rs562375295, ClinGen allele CA7713015.
Genomic context (GRCh38, chr15:85,620,105, plus strand): 5'-GGATATACTTCCTGCATTTTCTCTGTTCTTTCTTGCATTTGGGCAAAATGTATGAACGGC[A>G]CAAGAGGCGCTACAGCCTCTGTGACATCTCCAAGGTGGACAGGACTGTGGACGTGGTATT-3'

ClinVar aggregate classification (germline): Likely benign (1 of 4 stars; one submission).

Allele frequency attached by ClinVar (database versions not stated): ExAC 0.00276; 1000 Genomes Project 0.00300; 1000 Genomes Project 30x 0.00312; TOPMed 0.00473.
gnomAD v4.1: 9,265 of 1,536,066 alleles (0.6%); highest among the groups gnomAD compares: Non-Finnish European, 0.68%; 31 homozygotes.

Submission:

CeGaT Center for Human Genetics Tuebingen
Classification: Likely benign. Last evaluated: 2024-01-01. Review status: criteria provided, single submitter. Criteria: CeGaT Center For Human Genetics Tuebingen Variant Classification Criteria Version 2. Collection method: clinical testing. Allele origin: germline. Affected: yes. Observed: 2 variant alleles.
Comment: AKAP13: BP4, BS2